The following is an entry in ClinVar:

NM_001184.4(ATR):c.1961C>T (p.Ala654Val)

Gene: ATR (ATR checkpoint kinase; minus strand). Cytogenetic location: 3q23.
Variant type: single nucleotide variant.
Coding change: c.1961C>T on transcript NM_001184.4 (MANE Select); coding-DNA position 1961, C replaced by T.
Protein change: p.Ala654Val; replaces alanine 654 with valine.
Molecular consequence: missense variant.
Genome position (GRCh38, 1-based): chr3:142,556,500, G>A on the plus strand (C>T on the coding strand, the complement: ATR is on the minus strand). VCF-style: chr3-142556500-G-A. GRCh37 (hg19) VCF-style: chr3-142275342-G-A.
Other names: c.1769C>T, p.Ala590Val (NM_001354579.2); short protein forms A590V, A654V.
Identifiers: ClinVar variation 3221069 (VCV003221069.1), dbSNP rs1231927463, ClinGen allele CA354819421.

ClinVar aggregate classification (germline): Uncertain significance (1 of 4 stars; one submission).

Conditions:
Inborn genetic diseases. Identifiers: MedGen C0950123, MeSH D030342.

Allele frequency attached by ClinVar (database versions not stated): gnomAD exomes below 0.00001; TOPMed below 0.00001.
gnomAD v4.1: 1 of 1,614,044 alleles (0.000062%); highest among the groups gnomAD compares: African/African-American, 0.0013%; no homozygotes.

Submission:

Ambry Genetics
Classification: Uncertain significance for Inborn genetic diseases. Last evaluated: 2023-10-19. Review status: criteria provided, single submitter. Criteria: Ambry Variant Classification Scheme 2023. Collection method: clinical testing. Allele origin: germline.
Comment: The p.A654V variant (also known as c.1961C>T), located in coding exon 9 of the ATR gene, results from a C to T substitution at nucleotide position 1961. The alanine at codon 654 is replaced by valine, an amino acid with similar properties. This amino acid position is conserved. In addition, this alteration is predicted to be tolerated by in silico analysis. Since supporting evidence is limited at this time, the clinical significance of this alteration remains unclear.